The following is an entry in ClinVar:

ClinVar aggregate classification (germline): Uncertain significance (1 of 4 stars; one submission).

Submission:

GeneDx
Classification: Uncertain significance. Last evaluated: 2025-02-04. Review status: criteria provided, single submitter. Criteria: GeneDx Variant Classification Process June 2021. Collection method: clinical testing. Allele origin: germline. Affected: yes.
Comment: Not observed at significant frequency in large population cohorts (gnomAD); In silico analysis indicates that this missense variant does not alter protein structure/function; Has not been previously published as pathogenic or benign to our knowledge

NM_001292063.2(OTOG):c.6137A>G (p.Gln2046Arg)

Gene: OTOG (otogelin; plus strand). Cytogenetic location: 11p15.1.
Variant type: single nucleotide variant.
Coding change: c.6137A>G on transcript NM_001292063.2 (MANE Select); coding-DNA position 6137, A replaced by G.
Protein change: p.Gln2046Arg; replaces glutamine 2046 with arginine.
Molecular consequence: missense variant.
Genome position (GRCh38, 1-based): chr11:17,612,175, A>G. VCF-style: chr11-17612175-A-G. GRCh37 (hg19) VCF-style: chr11-17633722-A-G.
Other names: c.6173A>G, p.Gln2058Arg (NM_001277269.2); short protein forms Q2046R, Q2058R.
Identifiers: ClinVar variation 4074462 (VCV004074462.1).
Genomic context (GRCh38, chr11:17,612,175, plus strand): 5'-CTGTAGCTCCTTGATGGTCACTCACACTTCCTCCACTCTGTACCCAGCCAATCGCCGAGC[A>G]GGACTGCGTCCGCCACATCTGCCTGGAGGGCCAGCTGATTCGCGTGAATCAGTCCCAGCA-3'
Protein context (NP_001278992.1, residues 2036-2056): TSTTCVPIAE[Gln2046Arg]DCVRHICLEG